The following is an entry in ClinVar:

ClinVar aggregate classification (germline): Likely benign. Review status: criteria provided, single submitter (1 of 4 stars). 2 submissions from 2 submitters: Likely benign (1). 1 of the submissions does not count toward it. Last evaluated 2019-11-20.

Conditions:
PRKG1-related disorder. Also called: PRKG1-related condition.

Submissions (2):

Blueprint Genetics
Classification: Likely benign. Last evaluated: 2019-11-20. Review status: criteria provided, single submitter. Criteria: ACMG Guidelines, 2015. Collection method: clinical testing. Allele origin: germline.

PreventionGenetics, part of Exact Sciences
Classification: Likely benign for PRKG1-related condition. Last evaluated: 2022-01-28. Review status: no assertion criteria provided. Collection method: clinical testing. Allele origin: germline. Not counted in ClinVar's aggregate classification.
Comment: This variant is classified as likely benign based on ACMG/AMP sequence variant interpretation guidelines (Richards et al. 2015 PMID: 25741868, with internal and published modifications).

NM_006258.4(PRKG1):c.1002-11del

Gene: PRKG1 (protein kinase cGMP-dependent 1; plus strand). Cytogenetic location: 10q21.1.
Variant type: Deletion.
Coding change: c.1002-11del on transcript NM_006258.4 (MANE Select); 11 bases into the intron before coding-DNA position 1002, one base deleted (T; older notation c.1002-11delT).
Molecular consequence: intron variant.
Genome position (GRCh38, 1-based): chr10:52,161,878, T deleted; the last of 6 consecutive T bases (chr10:52,161,873-52,161,878); deleting any one gives the same sequence. VCF-style (leftmost placement, unchanged base first): chr10-52161872-CT-C. GRCh37 (hg19) VCF-style: chr10-53921632-CT-C.
Other names: c.957-11del (NM_001098512.3); c.-208-11del (NM_001374781.1).
Identifiers: ClinVar variation 3029459 (VCV003029459.3), dbSNP rs1446363363, ClinGen allele CA2609222213.